The following is an entry in ClinVar:

ClinVar aggregate classification (germline): Uncertain significance (1 of 4 stars; one submission).

Submission:

GeneDx
Classification: Uncertain significance. Last evaluated: 2025-01-07. Review status: criteria provided, single submitter. Criteria: GeneDx Variant Classification Process June 2021. Collection method: clinical testing. Allele origin: germline. Affected: yes.
Comment: Not observed at significant frequency in large population cohorts (gnomAD); In silico analysis supports that this missense variant has a deleterious effect on protein structure/function; Has not been previously published as pathogenic or benign to our knowledge

NM_001145073.3(USP27X):c.961C>G (p.Arg321Gly)

Gene: USP27X (ubiquitin specific peptidase 27 X-linked; plus strand). Cytogenetic location: Xp11.23.
Variant type: single nucleotide variant.
Coding change: c.961C>G on transcript NM_001145073.3 (MANE Select); coding-DNA position 961, C replaced by G.
Protein change: p.Arg321Gly; replaces arginine 321 with glycine.
Molecular consequence: missense variant.
Genome position (GRCh38, 1-based): chrX:49,881,268, C>G. VCF-style: chrX-49881268-C-G. GRCh37 (hg19) VCF-style: chrX-49645871-C-G.
Other names: short protein forms R321G.
Identifiers: ClinVar variation 4056055 (VCV004056055.1).